The following is an entry in ClinVar:

ClinVar aggregate classification (germline): Uncertain significance. Review status: criteria provided, multiple submitters, no conflicts (2 of 4 stars). 2 submissions from 2 submitters: Uncertain significance (2). Last evaluated 2019-01-30.

Conditions:
Oligodontia-cancer predisposition syndrome. Also called: TOOTH AGENESIS-COLORECTAL CANCER SYNDROME. Identifiers: Orphanet 300576, MedGen C1837750, MONDO:0012075, OMIM 608615. Disease mechanism: loss of function.
Hereditary cancer-predisposing syndrome. Also called: Neoplastic Syndromes, Hereditary; Tumor predisposition; Hereditary neoplastic syndrome; Hereditary Cancer Syndrome. Identifiers: Orphanet 140162, MedGen C0027672, MeSH D009386, MONDO:0015356.

Submissions (2):

Ambry Genetics
Classification: Uncertain significance for Hereditary cancer-predisposing syndrome. Last evaluated: 2019-01-30. Review status: criteria provided, single submitter. Criteria: Ambry Variant Classification Scheme 2023. Collection method: clinical testing. Allele origin: germline.
Comment: The p.H513D variant (also known as c.1537C>G), located in coding exon 5 of the AXIN2 gene, results from a C to G substitution at nucleotide position 1537. The histidine at codon 513 is replaced by aspartic acid, an amino acid with similar properties. This amino acid position is highly conserved in available vertebrate species. In addition, this alteration is predicted to be deleterious by in silico analysis. Since supporting evidence is limited at this time, the clinical significance of this alteration remains unclear.

Labcorp Genetics (formerly Invitae), Labcorp
Classification: Uncertain significance for Oligodontia-cancer predisposition syndrome. Last evaluated: 2018-08-15. Review status: criteria provided, single submitter. Criteria: Invitae Variant Classification Sherloc (09022015). Collection method: clinical testing. Allele origin: germline.
Comment: This sequence change replaces histidine with aspartic acid at codon 513 of the AXIN2 protein (p.His513Asp). The histidine residue is highly conserved and there is a moderate physicochemical difference between histidine and aspartic acid. This variant is not present in population databases (ExAC no frequency). This variant has not been reported in the literature in individuals with AXIN2-related disease. Algorithms developed to predict the effect of missense changes on protein structure and function are either unavailable or do not agree on the potential impact of this missense change (SIFT: "Tolerated"; PolyPhen-2: "Probably Damaging"; Align-GVGD: "Class C15"). In summary, the available evidence is currently insufficient to determine the role of this variant in disease. Therefore, it has been classified as a Variant of Uncertain Significance.

NM_004655.4(AXIN2):c.1537C>G (p.His513Asp)

Gene: AXIN2 (axin 2; minus strand). Cytogenetic location: 17q24.1.
Variant type: single nucleotide variant.
Coding change: c.1537C>G on transcript NM_004655.4 (MANE Select); coding-DNA position 1537, C replaced by G.
Protein change: p.His513Asp; replaces histidine 513 with aspartic acid.
Molecular consequence: missense variant.
Genome position (GRCh38, 1-based): chr17:65,537,499, G>C on the plus strand (C>G on the coding strand, the complement: AXIN2 is on the minus strand). VCF-style: chr17-65537499-G-C. GRCh37 (hg19) VCF-style: chr17-63533617-G-C.
Other names: c.1537C>G (LRG_296t1); c.1537C>G, p.His513Asp (NM_001363813.1); short protein forms H513D.
Identifiers: ClinVar variation 662357 (VCV000662357.13), dbSNP rs1598098865, ClinGen allele CA400677314.